The following is an entry in ClinVar:

NM_001130009.3(GEN1):c.520A>C (p.Thr174Pro)

Gene: GEN1 (GEN1 Holliday junction 5' flap endonuclease; plus strand). Cytogenetic location: 2p24.2.
Variant type: single nucleotide variant.
Coding change: c.520A>C on transcript NM_001130009.3 (MANE Select); coding-DNA position 520, A replaced by C.
Protein change: p.Thr174Pro; replaces threonine 174 with proline.
Molecular consequence: missense variant.
Genome position (GRCh38, 1-based): chr2:17,765,068, A>C. VCF-style: chr2-17765068-A-C. GRCh37 (hg19) VCF-style: chr2-17946335-A-C.
Other names: c.520A>C, p.Thr174Pro (NM_182625.5); short protein forms T174P.
Identifiers: ClinVar variation 4263100 (VCV004263100.1).

ClinVar aggregate classification (germline): Uncertain significance (1 of 4 stars; one submission).

Submission:

Ambry Genetics
Classification: Uncertain significance. Last evaluated: 2025-08-29. Review status: criteria provided, single submitter. Criteria: Ambry Variant Classification Scheme 2023. Collection method: clinical testing. Allele origin: germline.
Comment: The p.T174P variant (also known as c.520A>C), located in coding exon 3 of the GEN1 gene, results from an A to C substitution at nucleotide position 520. The threonine at codon 174 is replaced by proline, an amino acid with highly similar properties. This amino acid position is conserved. In addition, this alteration is predicted to be tolerated by in silico analysis. Based on the available evidence, the clinical significance of this variant remains unclear.